The following is an entry in ClinVar:

ClinVar aggregate classification (germline): Pathogenic. Review status: criteria provided, multiple submitters, no conflicts (2 of 4 stars). 3 submissions from 3 submitters: Pathogenic (3). Last evaluated 2026-02-27.

Conditions:
Hereditary breast ovarian cancer syndrome. Also called: Hereditary breast and/or ovarian cancer syndrome; Hereditary breast and ovarian cancer; Breast and ovarian cancer; Hereditary breast and ovarian cancer syndrome (HBOC); BRCA1- and BRCA2-Associated Hereditary Breast and Ovarian Cancer; Hereditary breast and ovarian cancer syndrome. Identifiers: Orphanet 145, MedGen C0677776, MeSH D061325, MONDO:0003582. Disease mechanism: loss of function.
Hereditary cancer-predisposing syndrome. Also called: Hereditary neoplastic syndrome; Tumor predisposition; Neoplastic Syndromes, Hereditary; Hereditary Cancer Syndrome. Identifiers: Orphanet 140162, MedGen C0027672, MeSH D009386, MONDO:0015356.

Submissions (3):

Ambry Genetics
Classification: Pathogenic for Hereditary cancer-predisposing syndrome. Last evaluated: 2026-02-27. Review status: criteria provided, single submitter. Criteria: Ambry Variant Classification Scheme 2023. Collection method: clinical testing. Allele origin: germline.
Comment: The c.2711_2714dupGAAA pathogenic mutation, located in coding exon 10 of the BRCA2 gene, results from a duplication of GAAA at nucleotide position 2711, causing a translational frameshift with a predicted alternate stop codon (p.N905Kfs*4). This variant is considered to be rare based on population cohorts in the Genome Aggregation Database (gnomAD). This alteration is expected to result in loss of function by premature protein truncation or nonsense-mediated mRNA decay. As such, this alteration is interpreted as a disease-causing mutation.

GeneDx
Classification: Pathogenic. Last evaluated: 2023-06-13. Review status: criteria provided, single submitter. Criteria: GeneDx Variant Classification Process June 2021. Collection method: clinical testing. Allele origin: germline. Affected: yes.
Comment: Frameshift variant predicted to result in protein truncation or nonsense mediated decay in a gene for which loss-of-function is a known mechanism of disease; Not observed at significant frequency in large population cohorts (gnomAD); Truncating variants in this gene are considered pathogenic by a well-established clinical consortium and/or database; Has not been previously published as pathogenic or benign to our knowledge; Also known as 2939_2942dup; This variant is associated with the following publications: (PMID: 20104584)

Labcorp Genetics (formerly Invitae), Labcorp
Classification: Pathogenic for Hereditary breast ovarian cancer syndrome. Last evaluated: 2022-10-25. Review status: criteria provided, single submitter. Criteria: Invitae Variant Classification Sherloc (09022015). Collection method: clinical testing. Allele origin: germline.
Comment: This sequence change creates a premature translational stop signal (p.Asn905Lysfs*4) in the BRCA2 gene. It is expected to result in an absent or disrupted protein product. Loss-of-function variants in BRCA2 are known to be pathogenic (PMID: 20104584). This variant is not present in population databases (gnomAD no frequency). This variant has not been reported in the literature in individuals affected with BRCA2-related conditions. ClinVar contains an entry for this variant (Variation ID: 1339576). For these reasons, this variant has been classified as Pathogenic.

Literature cited by the submitters: PubMed 20104584 (cited by Labcorp Genetics (formerly Invitae), Labcorp).

NM_000059.4(BRCA2):c.2711_2714dup (p.Asn905fs)

Gene: BRCA2 (BRCA2 DNA repair associated; plus strand). Cytogenetic location: 13q13.1.
Variant type: Duplication.
Coding change: c.2711_2714dup on transcript NM_000059.4 (MANE Select); coding-DNA positions 2711 to 2714, 4 bases duplicated (GAAA; older notation c.2711_2714dupGAAA).
Protein change: p.Asn905fs; shifts the reading frame from asparagine 905.
Molecular consequence: frameshift variant.
Genome position (GRCh38, 1-based): chr13:32,337,066-32,337,069, GAAA duplicated. VCF-style (leftmost placement, unchanged base first): chr13-32337065-G-GGAAA. GRCh37 (hg19) VCF-style: chr13-32911202-G-GGAAA.
Other names: c.2711_2714dupGAAA (NM_000059.3); short protein forms N905fs.
Identifiers: ClinVar variation 1339576 (VCV001339576.9), dbSNP rs2137489159, ClinGen allele CA2573053804.